The following is an entry in ClinVar:

ClinVar aggregate classification (germline): Likely benign. Review status: criteria provided, multiple submitters, no conflicts (2 of 4 stars). 2 submissions from 2 submitters: Likely benign (2). Last evaluated 2026-07-01.

Conditions:
Primary ciliary dyskinesia. Also called: Ciliary dyskinesia. Identifiers: Orphanet 244, MedGen C0008780, MONDO:0016575, HP:0012265.

Allele frequency attached by ClinVar (database versions not stated): TOPMed below 0.00001; ExAC 0.00001; gnomAD exomes 0.00001.
gnomAD v4.1: 13 of 1,602,516 alleles (0.00081%); highest among the groups gnomAD compares: African/African-American, 0.0013%; no homozygotes.

Submissions (2):

CeGaT Center for Human Genetics Tuebingen
Classification: Likely benign. Last evaluated: 2026-07-01. Review status: criteria provided, single submitter. Criteria: CeGaT Center For Human Genetics Tuebingen Variant Classification Criteria Version 2. Collection method: clinical testing. Allele origin: germline. Affected: yes. Observed: 1 variant allele.
Comment: CCDC39: BP4, BP7

Labcorp Genetics (formerly Invitae), Labcorp
Classification: Likely benign for Primary ciliary dyskinesia. Last evaluated: 2024-01-03. Review status: criteria provided, single submitter. Criteria: Invitae Variant Classification Sherloc (09022015). Collection method: clinical testing. Allele origin: germline.

NM_181426.2(CCDC39):c.1878T>G (p.Thr626=)

Gene: CCDC39 (coiled-coil domain 39 molecular ruler complex subunit; minus strand). Cytogenetic location: 3q26.33.
Variant type: single nucleotide variant.
Coding change: c.1878T>G on transcript NM_181426.2 (MANE Select); coding-DNA position 1878, T replaced by G.
Protein change: p.Thr626=; no amino-acid change (threonine 626 retained).
Molecular consequence: synonymous variant.
Genome position (GRCh38, 1-based): chr3:180,631,589, A>C on the plus strand (T>G on the coding strand, the complement: CCDC39 is on the minus strand). VCF-style: chr3-180631589-A-C. GRCh37 (hg19) VCF-style: chr3-180349377-A-C.
Identifiers: ClinVar variation 2983478 (VCV002983478.4), dbSNP rs760634837, ClinGen allele CA2715839.